The following is an entry in ClinVar:

ClinVar aggregate classification (germline): Conflicting classifications of pathogenicity. Review status: criteria provided, conflicting classifications (1 of 4 stars). 2 submissions from 2 submitters: Uncertain significance (1); Likely benign (1). Last evaluated 2025-08-24.

Allele frequency attached by ClinVar (database versions not stated): gnomAD below 0.00001 and 0.00001; gnomAD exomes 0.00002 and 0.00007; ExAC 0.00009.
gnomAD v4.1: 33 of 1,614,158 alleles (0.002%); highest among the groups gnomAD compares: South Asian, 0.032%; no homozygotes.

Submissions (2):

Labcorp Genetics (formerly Invitae), Labcorp
Classification: Uncertain significance. Last evaluated: 2025-08-24. Review status: criteria provided, single submitter. Criteria: Invitae Variant Classification Sherloc (09022015). Collection method: clinical testing. Allele origin: germline.
Comment: This sequence change replaces lysine, which is basic and polar, with threonine, which is neutral and polar, at codon 2698 of the VCAN protein (p.Lys2698Thr). This variant is present in population databases (rs770058352, gnomAD 0.05%), and has an allele count higher than expected for a pathogenic variant. This variant has not been reported in the literature in individuals affected with VCAN-related conditions. ClinVar contains an entry for this variant (Variation ID: 940573). An algorithm developed to predict the effect of missense changes on protein structure and function outputs the following: PolyPhen-2: "Benign". The threonine amino acid residue is found in multiple mammalian species, which suggests that this missense change does not adversely affect protein function. In summary, the available evidence is currently insufficient to determine the role of this variant in disease. Therefore, it has been classified as a Variant of Uncertain Significance.

Blueprint Genetics
Classification: Likely benign. Last evaluated: 2024-04-23. Review status: criteria provided, single submitter. Criteria: ACMG Guidelines, 2015. Collection method: clinical testing. Allele origin: germline.

NM_004385.5(VCAN):c.8093A>C (p.Lys2698Thr)

Genes: VCAN (versican; plus strand), VCAN-AS1 (VCAN antisense RNA 1; minus strand). Cytogenetic location: 5q14.3.
Variant type: single nucleotide variant.
Coding change: c.8093A>C on transcript NM_004385.5 (MANE Select); coding-DNA position 8093, A replaced by C.
Protein change: p.Lys2698Thr; replaces lysine 2698 with threonine.
Molecular consequence: missense variant. On other transcripts: intron variant (2).
Genome position (GRCh38, 1-based): chr5:83,541,096, A>C. VCF-style: chr5-83541096-A-C. GRCh37 (hg19) VCF-style: chr5-82836915-A-C.
Other names: c.5132A>C, p.Lys1711Thr (NM_001164097.2); c.4004-4441A>C (NM_001164098.2); c.1043-4441A>C (NM_001126336.3); short protein forms K1711T, K2698T.
Identifiers: ClinVar variation 940573 (VCV000940573.8), dbSNP rs770058352, ClinGen allele CA3333751.